The following is an entry in ClinVar:

NM_021942.6(TRAPPC11):c.2449G>A (p.Glu817Lys)

Genes: TRAPPC11 (trafficking protein particle complex subunit 11; plus strand), LOC126807238 (BRD4-independent group 4 enhancer GRCh37_chr4:184614366-184615565; plus strand). Cytogenetic location: 4q35.1.
Variant type: single nucleotide variant.
Coding change: c.2449G>A on transcript NM_021942.6 (MANE Select); coding-DNA position 2449, G replaced by A.
Protein change: p.Glu817Lys; replaces glutamic acid 817 with lysine.
Molecular consequence: missense variant.
Genome position (GRCh38, 1-based): chr4:183,693,979, G>A. VCF-style: chr4-183693979-G-A. GRCh37 (hg19) VCF-style: chr4-184615132-G-A.
Other names: c.2449G>A, p.Glu817Lys (NM_199053.3); short protein forms E817K.
Identifiers: ClinVar variation 1483875 (VCV001483875.6), dbSNP rs2111068368, ClinGen allele CA358872025.
Genomic context (GRCh38, chr4:183,693,979, plus strand): 5'-CAGGATGCCAATTTAACTCAGAAGACTCACGTGACTCTTCATGGAACAGAACTGTGTGAT[G>A]AATCCTACCCGGCTTTACTCACTGACATTCCTGTTGGAGACTTACATCCAGGGGAACAGG-3'
Protein context (NP_068761.4, residues 807-827): VTLHGTELCD[Glu817Lys]SYPALLTDIP

ClinVar aggregate classification (germline): Uncertain significance (1 of 4 stars; one submission).

Conditions:
Autosomal recessive limb-girdle muscular dystrophy type R18 (LGMDR18). Also called: Limb-girdle muscular dystrophy, type 2S; MUSCULAR DYSTROPHY, LIMB-GIRDLE, AUTOSOMAL RECESSIVE 18; Autosomal recessive limb-girdle muscular dystrophy type 2S. Identifiers: Orphanet 369840, MedGen C4517996, MONDO:0014144, OMIM 615356.

Submission:

Labcorp Genetics (formerly Invitae), Labcorp
Classification: Uncertain significance for Autosomal recessive limb-girdle muscular dystrophy type R18. Last evaluated: 2023-07-17. Review status: criteria provided, single submitter. Criteria: Invitae Variant Classification Sherloc (09022015). Collection method: clinical testing. Allele origin: germline.
Comment: In summary, the available evidence is currently insufficient to determine the role of this variant in disease. Therefore, it has been classified as a Variant of Uncertain Significance. Advanced modeling of protein sequence and biophysical properties (such as structural, functional, and spatial information, amino acid conservation, physicochemical variation, residue mobility, and thermodynamic stability) performed at Invitae indicates that this missense variant is not expected to disrupt TRAPPC11 protein function. ClinVar contains an entry for this variant (Variation ID: 1483875). This variant has not been reported in the literature in individuals affected with TRAPPC11-related conditions. This variant is not present in population databases (gnomAD no frequency). This sequence change replaces glutamic acid, which is acidic and polar, with lysine, which is basic and polar, at codon 817 of the TRAPPC11 protein (p.Glu817Lys).